The following is an entry in ClinVar:

NM_001111067.4(ACVR1):c.1438C>G (p.Gln480Glu)

Gene: ACVR1 (activin A receptor type 1; minus strand). Cytogenetic location: 2q24.1.
Variant type: single nucleotide variant.
Coding change: c.1438C>G on transcript NM_001111067.4 (MANE Select); coding-DNA position 1438, C replaced by G.
Protein change: p.Gln480Glu; replaces glutamine 480 with glutamic acid.
Molecular consequence: missense variant.
Genome position (GRCh38, 1-based): chr2:157,737,623, G>C on the plus strand (C>G on the coding strand, the complement: ACVR1 is on the minus strand). VCF-style: chr2-157737623-G-C. GRCh37 (hg19) VCF-style: chr2-158594135-G-C.
Other names: c.1438C>G, p.Gln480Glu (NM_001105.5, NM_001347663.1, NM_001347664.1 and 3 more transcripts); short protein forms Q480E.
Identifiers: ClinVar variation 4714544 (VCV004714544.1).
Genomic context (GRCh38, chr2:157,737,623, plus strand): 5'-TATCAATTTTGGTCAAAGTCTTTTTGATACGCAGTGCTGTGAGTCTTGCGGATGGATTTT[G>C]ATACCAGCATTCTTTCATTAGCTTGGCCAGAGAGGTTAATGTCTGAGGAGAGAAAGAACA-3'
Protein context (NP_001104537.1, residues 470-490): LAKLMKECWY[Gln480Glu]NPSARLTALR

ClinVar aggregate classification (germline): Uncertain significance (1 of 4 stars; one submission).

Submission:

Labcorp Genetics (formerly Invitae), Labcorp
Classification: Uncertain significance. Last evaluated: 2025-03-25. Review status: criteria provided, single submitter. Criteria: Invitae Variant Classification Sherloc (09022015). Collection method: clinical testing. Allele origin: germline.
Comment: This sequence change replaces glutamine, which is neutral and polar, with glutamic acid, which is acidic and polar, at codon 480 of the ACVR1 protein (p.Gln480Glu). This variant is not present in population databases (gnomAD no frequency). This variant has not been reported in the literature in individuals affected with ACVR1-related conditions. An algorithm developed to predict the effect of missense changes on protein structure and function (PolyPhen-2) suggests that this variant is likely to be tolerated. In summary, the available evidence is currently insufficient to determine the role of this variant in disease. Therefore, it has been classified as a Variant of Uncertain Significance.